The following is an entry in ClinVar:

NM_001083962.2(TCF4):c.*3397T>A

Gene: TCF4 (transcription factor 4; minus strand). Cytogenetic location: 18q21.2.
Variant type: single nucleotide variant.
Coding change: c.*3397T>A on transcript NM_001083962.2 (MANE Select); 3397 bases downstream of the stop codon, T replaced by A.
Molecular consequence: 3 prime UTR variant.
Genome position (GRCh38, 1-based): chr18:55,224,638, A>T on the plus strand (T>A on the coding strand, the complement: TCF4 is on the minus strand). VCF-style: chr18-55224638-A-T. GRCh37 (hg19) VCF-style: chr18-52891869-A-T.
Other names: c.*3397T>A (NM_001243232.1, NM_001243233.2, NM_001243234.2 and 42 more transcripts).
Identifiers: ClinVar variation 2571014 (VCV002571014.27), dbSNP rs111302418, ClinGen allele CA300789827.

ClinVar aggregate classification (germline): Likely benign (1 of 4 stars; one submission).

Allele frequency attached by ClinVar (database versions not stated): 1000 Genomes Project 0.00040; gnomAD 0.00058; TOPMed 0.00068.

Submission:

CeGaT Center for Human Genetics Tuebingen
Classification: Likely benign. Last evaluated: 2023-05-01. Review status: criteria provided, single submitter. Criteria: CeGaT Center For Human Genetics Tuebingen Variant Classification Criteria Version 2. Collection method: clinical testing. Allele origin: germline. Affected: yes. Observed: 2 variant alleles.
Comment: TCF4: BS1